The following is an entry in ClinVar:

ClinVar aggregate classification (germline): Likely pathogenic. Review status: criteria provided, multiple submitters, no conflicts (2 of 4 stars). 3 submissions from 3 submitters: Likely pathogenic (3). Last evaluated 2025-03-18.

Conditions:
Inborn genetic diseases. Identifiers: MedGen C0950123, MeSH D030342.
Developmental and epileptic encephalopathy, 12 (DEE12). Identifiers: MedGen C3150988, MONDO:0013389, OMIM 613722.
Microcephaly, seizures, and developmental delay. Identifiers: Orphanet 1934, MedGen C3150667, MONDO:0013254, OMIM 613402.

Allele frequency attached by ClinVar (database versions not stated): ExAC 0.00001; gnomAD 0.00001; gnomAD exomes 0.00002.
gnomAD v4.1: 25 of 1,613,982 alleles (0.0015%); highest among the groups gnomAD compares: South Asian, 0.016%; no homozygotes.

Submissions (3):

Labcorp Genetics (formerly Invitae), Labcorp
Classification: Likely pathogenic for Developmental and epileptic encephalopathy, 12. Last evaluated: 2025-03-18. Review status: criteria provided, single submitter. Criteria: Invitae Variant Classification Sherloc (09022015). Collection method: clinical testing. Allele origin: germline.
Comment: This sequence change affects a donor splice site in intron 9 of the PNKP gene. It is expected to disrupt RNA splicing. Variants that disrupt the donor or acceptor splice site typically lead to a loss of protein function (PMID: 16199547), and loss-of-function variants in PNKP are known to be pathogenic (PMID: 20118933, 25728773). This variant is present in population databases (rs762003634, gnomAD 0.01%). This variant has not been reported in the literature in individuals affected with PNKP-related conditions. ClinVar contains an entry for this variant (Variation ID: 1497182). Algorithms developed to predict the effect of sequence changes on RNA splicing suggest that this variant may disrupt the consensus splice site. In summary, the currently available evidence indicates that the variant is pathogenic, but additional data are needed to prove that conclusively. Therefore, this variant has been classified as Likely Pathogenic.

Ambry Genetics
Classification: Likely pathogenic for Inborn genetic diseases. Last evaluated: 2022-05-14. Review status: criteria provided, single submitter. Criteria: Ambry Variant Classification Scheme 2023. Collection method: clinical testing. Allele origin: germline.
Comment: The c.865+1G>A intronic variant results from a G to A substitution one nucleotide after exon 9 (coding exon 8) of the PNKP gene. Alterations that disrupt the canonical splice site are expected to cause aberrant splicing, resulting in an abnormal protein or a transcript that is subject to nonsense-mediated mRNA decay. Based on data from gnomAD, the A allele has an overall frequency of <0.01% (5/251250) total alleles studied. This nucleotide position is highly conserved in available vertebrate species. In silico splice site analysis predicts that this alteration will weaken the native splice donor site. Based on the available evidence, this alteration is classified as likely pathogenic.

Neuberg Centre For Genomic Medicine, NCGM
Classification: Likely pathogenic for Microcephaly, seizures, and developmental delay. Review status: criteria provided, single submitter. Criteria: ACMG Guidelines, 2015. Collection method: clinical testing. Allele origin: germline. Inheritance: Autosomal recessive inheritance. Affected: yes.
Comment: The splice site variant c.865+1G>A in PNKP gene has not been reported previously as a pathogenic variant nor as a benign variant, to our knowledge. This variant has been reported to the ClinVar database as Likely Pathogenic. The c.865+1G>A variant is novel (not in any individuals) in 1000 Genomes and allele frequency of 0.001990% is reported in gnomAD. The variant affects an invariant splice nucleotide and is expected to cause loss of function. Loss of function variants have been previously reported to be disease causing. For these reasons, this variant has been classified as Likely Pathogenic.

Literature cited by the submitters: PubMed 16199547 (cited by Labcorp Genetics (formerly Invitae), Labcorp); PubMed 20118933 (cited by Labcorp Genetics (formerly Invitae), Labcorp); PubMed 25728773 (cited by Labcorp Genetics (formerly Invitae), Labcorp).

NM_007254.4(PNKP):c.865+1G>A

Gene: PNKP (polynucleotide kinase 3'-phosphatase; minus strand). Cytogenetic location: 19q13.33.
Variant type: single nucleotide variant.
Coding change: c.865+1G>A on transcript NM_007254.4 (MANE Select); the canonical splice donor site of the intron after coding-DNA position 865, G replaced by A.
Molecular consequence: splice donor variant.
Genome position (GRCh38, 1-based): chr19:49,862,689, C>T on the plus strand (G>A on the coding strand, the complement: PNKP is on the minus strand). VCF-style: chr19-49862689-C-T. GRCh37 (hg19) VCF-style: chr19-50365946-C-T.
Identifiers: ClinVar variation 1497182 (VCV001497182.9), dbSNP rs762003634, ClinGen allele CA9586755.